The following is an entry in ClinVar:

NM_005591.4(MRE11):c.1624G>A (p.Ala542Thr)

Gene: MRE11 (MRE11 double strand break repair nuclease; minus strand). Cytogenetic location: 11q21.
Variant type: single nucleotide variant.
Coding change: c.1624G>A on transcript NM_005591.4 (MANE Select); coding-DNA position 1624, G replaced by A.
Protein change: p.Ala542Thr; replaces alanine 542 with threonine.
Molecular consequence: missense variant.
Genome position (GRCh38, 1-based): chr11:94,447,378, C>T on the plus strand (G>A on the coding strand, the complement: MRE11 is on the minus strand). VCF-style: chr11-94447378-C-T. GRCh37 (hg19) VCF-style: chr11-94180544-C-T.
Other names: c.1624G>A, p.Ala542Thr (NM_001330347.2, NM_005590.4); short protein forms A542T.
Identifiers: ClinVar variation 819695 (VCV000819695.6), dbSNP rs1238010343, ClinGen allele CA382368599.

ClinVar aggregate classification (germline): Uncertain significance (1 of 4 stars; one submission).

Conditions:
Hereditary cancer-predisposing syndrome. Also called: Neoplastic Syndromes, Hereditary; Tumor predisposition; Hereditary Cancer Syndrome; Hereditary neoplastic syndrome. Identifiers: Orphanet 140162, MedGen C0027672, MeSH D009386, MONDO:0015356.

Allele frequency attached by ClinVar (database versions not stated): gnomAD exomes below 0.00001 and 0.00001.
gnomAD v4.1: 16 of 1,614,128 alleles (0.00099%); highest among the groups gnomAD compares: Non-Finnish European, 0.0013%; no homozygotes.

Submission:

Ambry Genetics
Classification: Uncertain significance for Hereditary cancer-predisposing syndrome. Last evaluated: 2025-09-04. Review status: criteria provided, single submitter. Criteria: Ambry Variant Classification Scheme 2023. Collection method: clinical testing. Allele origin: germline.
Comment: The p.A542T variant (also known as c.1624G>A), located in coding exon 14 of the MRE11A gene, results from a G to A substitution at nucleotide position 1624. The alanine at codon 542 is replaced by threonine, an amino acid with similar properties. This amino acid position is not well conserved in available vertebrate species. In addition, this alteration is predicted to be tolerated by in silico analysis. Since supporting evidence is limited at this time, the clinical significance of this alteration remains unclear.